The following is an entry in ClinVar:

ClinVar aggregate classification (germline): Pathogenic. Review status: reviewed by expert panel (3 of 4 stars). 4 submissions from 4 submitters: Pathogenic (1). 3 of the submissions do not count toward it. Last evaluated 2016-10-18.

Conditions:
Breast-ovarian cancer, familial, susceptibility to, 1 (BROVCA1). Also called: BRCA1 Hereditary Breast and Ovarian Cancer; OVARIAN CANCER, SUSCEPTIBILITY TO. Identifiers: Orphanet 145, MedGen C2676676, MONDO:0011450, OMIM 604370. Disease mechanism: loss of function.
Hereditary cancer-predisposing syndrome. Also called: Hereditary Cancer Syndrome; Hereditary neoplastic syndrome; Neoplastic Syndromes, Hereditary; Tumor predisposition. Identifiers: Orphanet 140162, MedGen C0027672, MeSH D009386, MONDO:0015356.

Submissions (4):

Evidence-based Network for the Interpretation of Germline Mutant Alleles (ENIGMA)
Classification: Pathogenic for Breast-ovarian cancer, familial, susceptibility to, 1. Last evaluated: 2016-10-18. Review status: reviewed by expert panel. Criteria: ENIGMA BRCA1/2 Classification Criteria (2015). Collection method: curation. Allele origin: germline.
Comment: Variant allele predicted to encode a truncated non-functional protein.

Ambry Genetics
Classification: Pathogenic for Hereditary cancer-predisposing syndrome. Last evaluated: 2026-04-24. Review status: criteria provided, single submitter. Criteria: Ambry Variant Classification Scheme 2023. Collection method: clinical testing. Allele origin: germline. Not counted in ClinVar's aggregate classification.
Comment: The c.5553dupC pathogenic mutation, located in coding exon 22 of the BRCA1 gene, results from a duplication of C at nucleotide position 5553, causing a translational frameshift with a predicted alternate stop codon (p.T1852Hfs*28). This variant occurs at the 3' terminus of the gene, is not expected to trigger nonsense-mediated mRNA decay and results in the elongation of the protein by 15 amino acids. This frameshift impacts the last 12 amino acids of the native protein. However, frameshifts are typically deleterious in nature, and the impacted region is critical for protein function (Ambry internal data). This variant, also reported as c.5673insC in the literature, was reported as deleterious in assays of transcriptional activation (Carvalho M et al. Mutat Res, 2009 Jan;660:1-11; Nepomuceno TC et al. HGG Adv, 2023 Oct;4:100240). This variant is considered to be rare based on population cohorts in the Genome Aggregation Database (gnomAD). Based on the supporting evidence, this variant is interpreted as a disease-causing mutation.

Consortium of Investigators of Modifiers of BRCA1/2 (CIMBA), c/o University of Cambridge
Classification: Pathogenic for Breast-ovarian cancer, familial, susceptibility to, 1. Last evaluated: 2015-10-02. Review status: criteria provided, single submitter. Criteria: CIMBA Mutation Classification guidelines May 2016. Collection method: clinical testing. Allele origin: germline. Not counted in ClinVar's aggregate classification.

BRCAlab, Lund University
Classification: Pathogenic for Breast-ovarian cancer, familial, susceptibility to, 1. Last evaluated: 2020-03-02. Review status: no assertion criteria provided. Collection method: clinical testing. Allele origin: germline. Affected: yes. Not counted in ClinVar's aggregate classification.

Literature cited by the submitters: PubMed 18992264 (cited by Ambry Genetics); PubMed 37718511 (cited by Ambry Genetics).

NM_007294.4(BRCA1):c.5553dup (p.Thr1852fs)

Gene: BRCA1 (BRCA1 DNA repair associated; minus strand). Cytogenetic location: 17q21.31.
Variant type: Duplication.
Coding change: c.5553dup on transcript NM_007294.4 (MANE Select); coding-DNA position 5553, one base duplicated (C; older notation c.5553dupC).
Protein change: p.Thr1852fs; shifts the reading frame from threonine 1852.
Molecular consequence: frameshift variant. On other transcripts: 3 prime UTR variant (1), non-coding transcript variant (1).
Genome position (GRCh38, 1-based): chr17:43,045,717, G duplicated on the plus strand (C on the coding strand, the reverse complement: BRCA1 is on the minus strand). VCF-style (leftmost placement, unchanged base first): chr17-43045716-T-TG. GRCh37 (hg19) VCF-style: chr17-41197733-T-TG.
Other names: 5673insC (+15aa); c.5553dupC (NM_007294.3); c.*67dup (NM_007299.4, NM_001407854.1, NM_001407858.1 and 14 more transcripts); c.5616dup, p.Thr1873fs (NM_007300.4); c.2241dup, p.Thr748Hisfs (NM_007304.2, NM_001407979.1, NM_001407980.1 and 11 more transcripts); c.5340dup, p.Thr1781Hisfs (NM_001407571.1, NM_001407894.1, NM_001407895.1 and 12 more transcripts); c.5619dup, p.Thr1874Hisfs (NM_001407581.1, NM_001407582.1); c.5616dup, p.Thr1873Hisfs (NM_001407583.1, NM_001407585.1, NM_001407587.1); and 78 more; short protein forms T748fs, T1852fs, T1805fs, T1873fs.
Identifiers: ClinVar variation 55625 (VCV000055625.8), dbSNP rs397509297, ClinGen allele CA328027.
Genomic context (GRCh38, chr17:43,045,716, plus strand): 5'-CTGTACCTGTGGCTGGCTGCAGTCAGTAGTGGCTGTGGGGGATCTGGGGTATCAGGTAGG[T>TG]GTCCAGCTCCTGGCACTGGTAGAGTGCTACACTGTCCAACACCCACTCTCGGGTCACCAC-3'